The following is an entry in ClinVar:

NM_018474.6(KIZ):c.1513G>C (p.Glu505Gln)

Genes: KIZ (kizuna centrosomal protein; plus strand), KIZ-AS1 (KIZ antisense RNA 1; minus strand). Cytogenetic location: 20p11.23.
Variant type: single nucleotide variant.
Coding change: c.1513G>C on transcript NM_018474.6 (MANE Select); coding-DNA position 1513, G replaced by C.
Protein change: p.Glu505Gln; replaces glutamic acid 505 with glutamine.
Molecular consequence: missense variant.
Genome position (GRCh38, 1-based): chr20:21,214,601, G>C. VCF-style: chr20-21214601-G-C. GRCh37 (hg19) VCF-style: chr20-21195239-G-C.
Other names: c.1204G>C, p.Glu402Gln (NM_001163022.3); c.1114G>C, p.Glu372Gln (NM_001163023.3); c.1366G>C, p.Glu456Gln (NM_001276389.2); c.1459G>C, p.Glu487Gln (NM_001352434.2); c.1150G>C, p.Glu384Gln (NM_001352435.2); c.1171G>C, p.Glu391Gln (NM_001352436.2); short protein forms E391Q, E402Q, E456Q, E372Q, E505Q, E384Q, E487Q.
Identifiers: ClinVar variation 1937478 (VCV001937478.5), dbSNP rs1156517981, ClinGen allele CA408490707.
Genomic context (GRCh38, chr20:21,214,601, plus strand): 5'-GCATTATTGAGAAAAGCCCTTACAGAAGAGTGTGGCCGTAGGTCAGCTATTCACAGTAGT[G>C]AATCATCTTGCAGCTTGCCATCTATTCTGAATGACAATAGTGGAATAAAGGAAGCCAAAC-3'
Protein context (NP_060944.3, residues 495-515): CGRRSAIHSS[Glu505Gln]SSCSLPSILN

ClinVar aggregate classification (germline): Uncertain significance (1 of 4 stars; one submission).

Allele frequency attached by ClinVar (database versions not stated): TOPMed below 0.00001.
gnomAD v4.1: 2 of 1,613,066 alleles (0.00012%); highest among the groups gnomAD compares: Admixed American, 0.0017%; no homozygotes.

Submission:

Labcorp Genetics (formerly Invitae), Labcorp
Classification: Uncertain significance. Last evaluated: 2021-12-27. Review status: criteria provided, single submitter. Criteria: Invitae Variant Classification Sherloc (09022015). Collection method: clinical testing. Allele origin: germline.
Comment: This sequence change replaces glutamic acid, which is acidic and polar, with glutamine, which is neutral and polar, at codon 505 of the KIZ protein (p.Glu505Gln). This variant is present in population databases (no rsID available, gnomAD 0.003%). This variant has not been reported in the literature in individuals affected with KIZ-related conditions. In summary, the available evidence is currently insufficient to determine the role of this variant in disease. Therefore, it has been classified as a Variant of Uncertain Significance.